The following is an entry in ClinVar:

NM_000135.4(FANCA):c.3321G>C (p.Gln1107His)

Gene: FANCA (FA complementation group A; minus strand). Cytogenetic location: 16q24.3.
Variant type: single nucleotide variant.
Coding change: c.3321G>C on transcript NM_000135.4 (MANE Select); coding-DNA position 3321, G replaced by C.
Protein change: p.Gln1107His; replaces glutamine 1107 with histidine.
Molecular consequence: missense variant.
Genome position (GRCh38, 1-based): chr16:89,748,686, C>G on the plus strand (G>C on the coding strand, the complement: FANCA is on the minus strand). VCF-style: chr16-89748686-C-G. GRCh37 (hg19) VCF-style: chr16-89815094-C-G.
Other names: c.3321G>C, p.Gln1107His (NM_001286167.3); short protein forms Q1107H.
Identifiers: ClinVar variation 4254244 (VCV004254244.1).
Genomic context (GRCh38, chr16:89,748,686, plus strand): 5'-GATCGGACGGACACGTGCACACGGGGCACCTACCATCTCAGAGTTGACCAAGTGGAAGAA[C>G]TGCTCGCATCTGGCAGTGATGGGCTGTTCTGCCTGGAAGCTGCTGCCGCAGAGGACAGAC-3'
Protein context (NP_000126.2, residues 1097-1117): AEQPITARCE[Gln1107His]FFHLVNSEMR

ClinVar aggregate classification (germline): Uncertain significance (1 of 4 stars; one submission).

Conditions:
Inborn genetic diseases. Identifiers: MedGen C0950123, MeSH D030342.

gnomAD v4.1: 2 of 1,614,012 alleles (0.00012%); highest among the groups gnomAD compares: South Asian, 0.0011%; no homozygotes.

Submission:

Ambry Genetics
Classification: Uncertain significance for Inborn genetic diseases. Last evaluated: 2025-08-02. Review status: criteria provided, single submitter. Criteria: Ambry Variant Classification Scheme 2023. Collection method: clinical testing. Allele origin: germline.
Comment: The p.Q1107H variant (also known as c.3321G>C), located in coding exon 33 of the FANCA gene, results from a G to C substitution at nucleotide position 3321. The glutamine at codon 1107 is replaced by histidine, an amino acid with highly similar properties. This amino acid position is conserved. In addition, this alteration is predicted to be tolerated by in silico analysis. Based on the available evidence, the clinical significance of this variant remains unclear.